The following is an entry in ClinVar:

ClinVar aggregate classification (germline): Uncertain significance. Review status: criteria provided, multiple submitters, no conflicts (2 of 4 stars). 2 submissions from 2 submitters: Uncertain significance (2). Last evaluated 2023-10-05.

Conditions:
Familial hypocalciuric hypercalcemia (FHH). Also called: Familial benign hypercalcemia. Identifiers: Orphanet 405, MedGen C1809471, MONDO:0018458.
Autosomal dominant hypocalcemia 1 (HYPOC1). Also called: HYPOCALCEMIA, FAMILIAL. Identifiers: MedGen C3715128, MONDO:0011013, OMIM 601198.

Submissions (2):

Labcorp Genetics (formerly Invitae), Labcorp
Classification: Uncertain significance for Familial hypocalciuric hypercalcemia; Autosomal dominant hypocalcemia 1. Last evaluated: 2023-10-05. Review status: criteria provided, single submitter. Criteria: Invitae Variant Classification Sherloc (09022015). Collection method: clinical testing. Allele origin: germline.
Comment: This sequence change replaces arginine, which is basic and polar, with glycine, which is neutral and non-polar, at codon 886 of the CASR protein (p.Arg886Gly). This variant is not present in population databases (gnomAD no frequency). This variant has not been reported in the literature in individuals affected with CASR-related conditions. An algorithm developed to predict the effect of missense changes on protein structure and function (PolyPhen-2) suggests that this variant is likely to be disruptive. This variant disrupts the p.Arg886 amino acid residue in CASR. Other variant(s) that disrupt this residue have been determined to be pathogenic (PMID: 11807402, 20798521; Invitae). This suggests that this residue is clinically significant, and that variants that disrupt this residue are likely to be disease-causing. In summary, the available evidence is currently insufficient to determine the role of this variant in disease. Therefore, it has been classified as a Variant of Uncertain Significance.

Athena Diagnostics
Classification: Uncertain significance. Last evaluated: 2022-10-04. Review status: criteria provided, single submitter. Criteria: Athena Diagnostics Criteria. Collection method: clinical testing. Allele origin: unknown.
Comment: Available data are insufficient to determine the clinical significance of the variant at this time. This variant has not been reported in large, multi-ethnic general populations. At least one other missense variant at this codon is considered to be pathogenic or likely pathogenic, suggesting this variant may also cause disease.

Literature cited by the submitters: PubMed 11807402 (cited by Labcorp Genetics (formerly Invitae), Labcorp); PubMed 20798521 (cited by Labcorp Genetics (formerly Invitae), Labcorp).

NM_000388.4(CASR):c.2656C>G (p.Arg886Gly)

Gene: CASR (calcium sensing receptor; plus strand). Cytogenetic location: 3q21.1.
Variant type: single nucleotide variant.
Coding change: c.2656C>G on transcript NM_000388.4 (MANE Select); coding-DNA position 2656, C replaced by G.
Protein change: p.Arg886Gly; replaces arginine 886 with glycine.
Molecular consequence: missense variant.
Genome position (GRCh38, 1-based): chr3:122,284,610, C>G. VCF-style: chr3-122284610-C-G. GRCh37 (hg19) VCF-style: chr3-122003457-C-G.
Other names: c.2686C>G, p.Arg896Gly (NM_001178065.2); short protein forms R886G, R896G.
Identifiers: ClinVar variation 2684151 (VCV002684151.4), dbSNP rs1559969429, ClinGen allele CA354160500.